The following is an entry in ClinVar:

NM_004329.3(BMPR1A):c.394C>T (p.Gln132Ter)

Gene: BMPR1A (bone morphogenetic protein receptor type 1A; plus strand). Cytogenetic location: 10q23.2.
Variant type: single nucleotide variant.
Coding change: c.394C>T on transcript NM_004329.3 (MANE Select); coding-DNA position 394, C replaced by T.
Protein change: p.Gln132Ter; replaces glutamine 132 with a stop codon.
Molecular consequence: nonsense.
Genome position (GRCh38, 1-based): chr10:86,899,854, C>T. VCF-style: chr10-86899854-C-T. GRCh37 (hg19) VCF-style: chr10-88659611-C-T.
Other names: short protein forms Q132*.
Identifiers: ClinVar variation 1073369 (VCV001073369.11), dbSNP rs2133454296, ClinGen allele CA377449664.

ClinVar aggregate classification (germline): Pathogenic. Review status: criteria provided, multiple submitters, no conflicts (2 of 4 stars). 3 submissions from 3 submitters: Pathogenic (3). Last evaluated 2024-02-09.

Conditions:
Juvenile polyposis syndrome (JPS). Identifiers: Orphanet 2929, MedGen C0345893, MONDO:0017380, OMIM 174900.
Hereditary cancer-predisposing syndrome. Also called: Neoplastic Syndromes, Hereditary; Hereditary neoplastic syndrome; Tumor predisposition; Hereditary Cancer Syndrome. Identifiers: Orphanet 140162, MedGen C0027672, MeSH D009386, MONDO:0015356.

Submissions (3):

Labcorp Genetics (formerly Invitae), Labcorp
Classification: Pathogenic for Juvenile polyposis syndrome. Last evaluated: 2024-02-09. Review status: criteria provided, single submitter. Criteria: Invitae Variant Classification Sherloc (09022015). Collection method: clinical testing. Allele origin: germline.
Comment: This sequence change creates a premature translational stop signal (p.Gln132*) in the BMPR1A gene. It is expected to result in an absent or disrupted protein product. Loss-of-function variants in BMPR1A are known to be pathogenic (PMID: 11536076, 12417513). This variant is not present in population databases (gnomAD no frequency). This variant has not been reported in the literature in individuals affected with BMPR1A-related conditions. ClinVar contains an entry for this variant (Variation ID: 1073369). For these reasons, this variant has been classified as Pathogenic.

Myriad Genetics, Inc.
Classification: Pathogenic for Juvenile polyposis syndrome. Last evaluated: 2023-08-14. Review status: criteria provided, single submitter. Criteria: Myriad Autosomal Dominant, Autosomal Recessive and X-Linked Classification Criteria (2023). Collection method: clinical testing. Allele origin: unknown.
Comment: This variant is considered pathogenic. This variant creates a termination codon and is predicted to result in premature protein truncation.

Ambry Genetics
Classification: Pathogenic for Hereditary cancer-predisposing syndrome. Last evaluated: 2015-09-13. Review status: criteria provided, single submitter. Criteria: Ambry Variant Classification Scheme 2023. Collection method: clinical testing. Allele origin: germline.
Comment: The p.Q132* pathogenic mutation (also known as c.394C>T), located in coding exon 4 of the BMPR1A gene, results from a C to T substitution at nucleotide position 394. This changes the amino acid from a glutamine to a stop codon within coding exon 4. Since premature stop codons are typically deleterious in nature, this alteration is interpreted as a disease-causing mutation (ACMG Recommendations for Standards for Interpretation and Reporting of Sequence Variations. Revision 2007. Genet Med. 2008;10:294).

Literature cited by the submitters: PubMed 11536076 (cited by Labcorp Genetics (formerly Invitae), Labcorp); PubMed 12417513 (cited by Labcorp Genetics (formerly Invitae), Labcorp).